The following is an entry in ClinVar:

NM_001034853.2(RPGR):c.1346G>A (p.Arg449Gln)

Gene: RPGR (retinitis pigmentosa GTPase regulator; minus strand). Cytogenetic location: Xp11.4.
Variant type: single nucleotide variant.
Coding change: c.1346G>A on transcript NM_001034853.2 (MANE Select); coding-DNA position 1346, G replaced by A.
Protein change: p.Arg449Gln; replaces arginine 449 with glutamine.
Molecular consequence: missense variant. On other transcripts: non-coding transcript variant (6).
Genome position (GRCh38, 1-based): chrX:38,297,352, C>T on the plus strand (G>A on the coding strand, the complement: RPGR is on the minus strand). VCF-style: chrX-38297352-C-T. GRCh37 (hg19) VCF-style: chrX-38156605-C-T.
Other names: c.1346G>A (NM_001034853.1); c.1346G>A, p.Arg449Gln (NM_000328.3, NM_001367247.1); c.1343G>A, p.Arg448Gln (NM_001367245.1, NM_001367249.1, NM_001367250.1); c.1160G>A, p.Arg387Gln (NM_001367246.1, NM_001367251.1); c.1376G>A, p.Arg459Gln (NM_001367248.1); short protein forms R449Q, R459Q, R387Q, R448Q.
Identifiers: ClinVar variation 2162531 (VCV002162531.5), dbSNP rs753418463, ClinGen allele CA10385491.
Genomic context (GRCh38, chrX:38,297,352, plus strand): 5'-TCTGGCTGCATGAGGTCCTGTTCAGATAAGACACTCTCTTGGAGGTTTCTCTCAGAACAT[C>T]GTGGAAAGACTGAATTGGGGAGAAAACAAGCAGAAAGGCCAAGAGTCCCTTCTATTGGAG-3'
Protein context (NP_001030025.1, residues 439-459): ACFLPNSVFP[Arg449Gln]CSERNLQESV

ClinVar aggregate classification (germline): Likely benign. Review status: criteria provided, multiple submitters, no conflicts (2 of 4 stars). 2 submissions from 2 submitters: Likely benign (2). Last evaluated 2025-10-05.

Conditions:
RPGR-related disorder. Also called: RPGR-related condition.
Primary ciliary dyskinesia. Also called: Ciliary dyskinesia. Identifiers: Orphanet 244, MedGen C0008780, MONDO:0016575, HP:0012265.

Allele frequency attached by ClinVar (database versions not stated): gnomAD exomes 0.00003; ExAC 0.00005.

Submissions (2):

Labcorp Genetics (formerly Invitae), Labcorp
Classification: Likely benign for Primary ciliary dyskinesia. Last evaluated: 2025-10-05. Review status: criteria provided, single submitter. Criteria: Invitae Variant Classification Sherloc (09022015). Collection method: clinical testing. Allele origin: germline.

PreventionGenetics, part of Exact Sciences
Classification: Likely benign for RPGR-related condition. Last evaluated: 2025-09-10. Review status: criteria provided, single submitter. Criteria: ACMG Guidelines, 2015. Collection method: clinical testing. Allele origin: germline.
Comment: This variant is classified as likely benign based on ACMG/AMP sequence variant interpretation guidelines (Richards et al. 2015 PMID: 25741868, with internal and published modifications).